The following is an entry in ClinVar:

ClinVar aggregate classification (germline): Uncertain significance (1 of 4 stars; one submission).

Conditions:
Inborn genetic diseases. Identifiers: MedGen C0950123, MeSH D030342.

Submission:

Ambry Genetics
Classification: Uncertain significance for Inborn genetic diseases. Last evaluated: 2024-06-21. Review status: criteria provided, single submitter. Criteria: Ambry Variant Classification Scheme 2023. Collection method: clinical testing. Allele origin: germline.
Comment: The p.L812F variant (also known as c.2436A>C), located in coding exon 11 of the ATR gene, results from an A to C substitution at nucleotide position 2436. The leucine at codon 812 is replaced by phenylalanine, an amino acid with highly similar properties. This amino acid position is conserved. In addition, the in silico prediction for this alteration is inconclusive. Based on the available evidence, the clinical significance of this variant remains unclear.

NM_001184.4(ATR):c.2436A>C (p.Leu812Phe)

Gene: ATR (ATR serine/threonine kinase; minus strand). Cytogenetic location: 3q23.
Variant type: single nucleotide variant.
Coding change: c.2436A>C on transcript NM_001184.4 (MANE Select); coding-DNA position 2436, A replaced by C.
Protein change: p.Leu812Phe; replaces leucine 812 with phenylalanine.
Molecular consequence: missense variant.
Genome position (GRCh38, 1-based): chr3:142,553,921, T>G on the plus strand (A>C on the coding strand, the complement: ATR is on the minus strand). VCF-style: chr3-142553921-T-G. GRCh37 (hg19) VCF-style: chr3-142272763-T-G.
Other names: c.2244A>C, p.Leu748Phe (NM_001354579.2); short protein forms L748F, L812F.
Identifiers: ClinVar variation 3332205 (VCV003332205.1).